The following is an entry in ClinVar:

ClinVar aggregate classification (germline): Uncertain significance (1 of 4 stars; one submission).

Submission:

Labcorp Genetics (formerly Invitae), Labcorp
Classification: Uncertain significance. Last evaluated: 2021-05-28. Review status: criteria provided, single submitter. Criteria: Invitae Variant Classification Sherloc (09022015). Collection method: clinical testing. Allele origin: germline.
Comment: This sequence change replaces glutamic acid with alanine at codon 585 of the POLE protein (p.Glu585Ala). The glutamic acid residue is highly conserved and there is a moderate physicochemical difference between glutamic acid and alanine. In summary, the available evidence is currently insufficient to determine the role of this variant in disease. Therefore, it has been classified as a Variant of Uncertain Significance. Algorithms developed to predict the effect of missense changes on protein structure and function (SIFT, PolyPhen-2, Align-GVGD) all suggest that this variant is likely to be disruptive, but these predictions have not been confirmed by published functional studies and their clinical significance is uncertain. This variant has not been reported in the literature in individuals with POLE-related conditions. This variant is not present in population databases (ExAC no frequency).

NM_006231.4(POLE):c.1754A>C (p.Glu585Ala)

Gene: POLE (DNA polymerase epsilon, catalytic subunit; minus strand). Cytogenetic location: 12q24.33.
Variant type: single nucleotide variant.
Coding change: c.1754A>C on transcript NM_006231.4 (MANE Select); coding-DNA position 1754, A replaced by C.
Protein change: p.Glu585Ala; replaces glutamic acid 585 with alanine.
Molecular consequence: missense variant.
Genome position (GRCh38, 1-based): chr12:132,672,255, T>G on the plus strand (A>C on the coding strand, the complement: POLE is on the minus strand). VCF-style: chr12-132672255-T-G. GRCh37 (hg19) VCF-style: chr12-133248841-T-G.
Other names: short protein forms E585A.
Identifiers: ClinVar variation 1494328 (VCV001494328.8), dbSNP rs1264435543, ClinGen allele CA387356289.